The following is an entry in ClinVar:

NM_001101362.3(KBTBD13):c.812C>T (p.Pro271Leu)

Gene: KBTBD13 (kelch repeat and BTB domain containing 13; plus strand). Cytogenetic location: 15q22.31.
Variant type: single nucleotide variant.
Coding change: c.812C>T on transcript NM_001101362.3 (MANE Select); coding-DNA position 812, C replaced by T.
Protein change: p.Pro271Leu; replaces proline 271 with leucine.
Molecular consequence: missense variant.
Genome position (GRCh38, 1-based): chr15:65,077,627, C>T. VCF-style: chr15-65077627-C-T. GRCh37 (hg19) VCF-style: chr15-65369965-C-T.
Other names: short protein forms P271L.
Identifiers: ClinVar variation 1360376 (VCV001360376.6), dbSNP rs944158562, ClinGen allele CA271504161.

ClinVar aggregate classification (germline): Uncertain significance (1 of 4 stars; one submission).

Conditions:
Nemaline myopathy 6 (NEM6). Also called: Nemaline myopathy 6, autosomal dominant. Identifiers: Orphanet 171439, MedGen C1836472, MONDO:0012237, OMIM 609273.

Allele frequency attached by ClinVar (database versions not stated): gnomAD exomes 0.00001; gnomAD 0.00005; TOPMed 0.00005.

Submission:

Labcorp Genetics (formerly Invitae), Labcorp
Classification: Uncertain significance for Nemaline myopathy 6. Last evaluated: 2025-11-06. Review status: criteria provided, single submitter. Criteria: Invitae Variant Classification Sherloc (09022015). Collection method: clinical testing. Allele origin: germline.
Comment: This sequence change replaces proline, which is neutral and non-polar, with leucine, which is neutral and non-polar, at codon 271 of the KBTBD13 protein (p.Pro271Leu). This variant is present in population databases (no rsID available, gnomAD 0.01%). This variant has not been reported in the literature in individuals affected with KBTBD13-related conditions. ClinVar contains an entry for this variant (Variation ID: 1360376). Invitae Evidence Modeling of protein sequence and biophysical properties (such as structural, functional, and spatial information, amino acid conservation, physicochemical variation, residue mobility, and thermodynamic stability) indicates that this missense variant is not expected to disrupt KBTBD13 protein function with a negative predictive value of 80%. In summary, the available evidence is currently insufficient to determine the role of this variant in disease. Therefore, it has been classified as a Variant of Uncertain Significance.